The following is an entry in ClinVar:

NM_015192.4(PLCB1):c.664C>G (p.Arg222Gly)

Gene: PLCB1 (phospholipase C beta 1; plus strand). Cytogenetic location: 20p12.3.
Variant type: single nucleotide variant.
Coding change: c.664C>G on transcript NM_015192.4 (MANE Select); coding-DNA position 664, C replaced by G.
Protein change: p.Arg222Gly; replaces arginine 222 with glycine.
Molecular consequence: missense variant.
Genome position (GRCh38, 1-based): chr20:8,657,253, C>G. VCF-style: chr20-8657253-C-G. GRCh37 (hg19) VCF-style: chr20-8637900-C-G.
Other names: c.664C>G, p.Arg222Gly (NM_182734.3); short protein forms R222G.
Identifiers: ClinVar variation 852689 (VCV000852689.10), dbSNP rs990536521, ClinGen allele CA408263949.
Genomic context (GRCh38, chr20:8,657,253, plus strand): 5'-ATACCTCAAGAAGATTTCACTCCAGAAGTGTACAGAGTTTTCCTCAACAACCTTTGCCCT[C>G]GACCTGAAATTGATAACATCTTTTCAGAATTGTAAGAGTACACATTTTAAGCCATATCTT-3'
Protein context (NP_056007.1, residues 212-232): YRVFLNNLCP[Arg222Gly]PEIDNIFSEF

ClinVar aggregate classification (germline): Uncertain significance (1 of 4 stars; one submission).

Conditions:
Developmental and epileptic encephalopathy, 12 (DEE12). Identifiers: MedGen C3150988, MONDO:0013389, OMIM 613722.

Allele frequency attached by ClinVar (database versions not stated): gnomAD exomes below 0.00001.
gnomAD v4.1: 5 of 1,606,256 alleles (0.00031%); highest among the groups gnomAD compares: Admixed American, 0.0083%; no homozygotes.

Submission:

Labcorp Genetics (formerly Invitae), Labcorp
Classification: Uncertain significance for Developmental and epileptic encephalopathy, 12. Last evaluated: 2020-02-27. Review status: criteria provided, single submitter. Criteria: Invitae Variant Classification Sherloc (09022015). Collection method: clinical testing. Allele origin: germline.
Comment: In summary, the available evidence is currently insufficient to determine the role of this variant in disease. Therefore, it has been classified as a Variant of Uncertain Significance. This sequence change replaces arginine with glycine at codon 222 of the PLCB1 protein (p.Arg222Gly). The arginine residue is highly conserved and there is a moderate physicochemical difference between arginine and glycine. This variant is not present in population databases (ExAC no frequency). This variant has not been reported in the literature in individuals with PLCB1-related conditions. Algorithms developed to predict the effect of missense changes on protein structure and function (SIFT, PolyPhen-2, Align-GVGD) all suggest that this variant is likely to be disruptive, but these predictions have not been confirmed by published functional studies and their clinical significance is uncertain.